The following is an entry in ClinVar:

ClinVar aggregate classification (germline): Uncertain significance (1 of 4 stars; one submission).

Conditions:
Glutamate formiminotransferase deficiency. Also called: Formiminoglutamic aciduria; Arakawa syndrome 1. Identifiers: Orphanet 51208, MedGen C0268609, MONDO:0009240, OMIM 229100.

Submission:

Labcorp Genetics (formerly Invitae), Labcorp
Classification: Uncertain significance for Glutamate formiminotransferase deficiency. Last evaluated: 2020-02-24. Review status: criteria provided, single submitter. Criteria: Invitae Variant Classification Sherloc (09022015). Collection method: clinical testing. Allele origin: germline.
Comment: This variant, c.862_864del, results in the deletion of 1 amino acid(s) of the FTCD protein (p.Lys288del), but otherwise preserves the integrity of the reading frame. This variant is not present in population databases (ExAC no frequency). This variant has not been reported in the literature in individuals with FTCD-related conditions. In summary, the available evidence is currently insufficient to determine the role of this variant in disease. Therefore, it has been classified as a Variant of Uncertain Significance.

NM_206965.2(FTCD):c.862_864del (p.Lys288del)

Gene: FTCD (formimidoyltransferase cyclodeaminase; minus strand). Cytogenetic location: 21q22.3.
Variant type: Deletion.
Coding change: c.862_864del on transcript NM_206965.2 (MANE Select); coding-DNA positions 862 to 864, 3 bases deleted (AAG; older notation c.862_864delAAG).
Protein change: p.Lys288del; deletes lysine 288.
Molecular consequence: inframe deletion.
Genome position (GRCh38, 1-based): chr21:46,150,161-46,150,163, CTT deleted on the plus strand (AAG on the coding strand, the reverse complement: FTCD is on the minus strand); deleting any 3 consecutive bases within chr21:46,150,161-46,150,165 gives the same sequence; the c. name uses the placement nearest the transcript's 3' end. VCF-style (leftmost placement, unchanged base first): chr21-46150160-CCTT-C. GRCh37 (hg19) VCF-style: chr21-47570074-CCTT-C.
Other names: c.862_864del, p.Lys288del (NM_001320412.2, NM_006657.3); short protein forms K288del.
Identifiers: ClinVar variation 944780 (VCV000944780.9), dbSNP rs1321726682, ClinGen allele CA638498277.
Genomic context (GRCh38, chr21:46,150,160, plus strand): 5'-CCTCGGCAGCCCGGCCCACCAGCCTGATCCGCTGCTCCTCCTCCAGGATGAAGAGGTTCT[CCTT>C]CTCGCAGTAGAAGGCGGCCGCATCCAGCAGAGCCTTCAGGGGCACCAGGCCCACCAGCTG-3'